The following is an entry in ClinVar:

ClinVar aggregate classification (germline): Likely benign. Review status: criteria provided, multiple submitters, no conflicts (2 of 4 stars). 4 submissions from 4 submitters: Likely benign (4). Last evaluated 2025-08-11.

Conditions:
Epilepsy, childhood absence 4 (ECA4). Also called: EPILEPSY, CHILDHOOD ABSENCE, SUSCEPTIBILITY TO, 4. Identifiers: Orphanet 307, MedGen C1970160.
Idiopathic generalized epilepsy. Also called: Generalised epilepsy; EIG. Identifiers: MedGen C0270850, MONDO:0005579, OMIM 600669.
Epilepsy, idiopathic generalized, susceptibility to, 13. Also called: EPILEPSY, JUVENILE MYOCLONIC, SUSCEPTIBILITY TO, 5. Identifiers: Orphanet 307, Orphanet 64280, MedGen C4013473, MONDO:0012627, OMIM 611136.
Inborn genetic diseases. Identifiers: MedGen C0950123, MeSH D030342.

Allele frequency attached by ClinVar (database versions not stated): gnomAD exomes 0.00002 and 0.00005; ExAC 0.00007; gnomAD 0.00013 and 0.00015; 1000 Genomes Project 30x 0.00016; 1000 Genomes Project 0.00020; TOPMed 0.00021.
gnomAD v4.1: 62 of 1,612,888 alleles (0.0038%); highest among the groups gnomAD compares: African/African-American, 0.033%; 1 homozygote.

Submissions (4):

Labcorp Genetics (formerly Invitae), Labcorp
Classification: Likely benign for Epilepsy, childhood absence 4; Epilepsy, idiopathic generalized, susceptibility to, 13; Idiopathic generalized epilepsy. Last evaluated: 2025-08-11. Review status: criteria provided, single submitter. Criteria: Invitae Variant Classification Sherloc (09022015). Collection method: clinical testing. Allele origin: germline.

CeGaT Center for Human Genetics Tuebingen
Classification: Likely benign. Last evaluated: 2023-05-01. Review status: criteria provided, single submitter. Criteria: CeGaT Center For Human Genetics Tuebingen Variant Classification Criteria Version 2. Collection method: clinical testing. Allele origin: germline. Affected: yes. Observed: 1 variant allele.
Comment: GABRA1: BP4, BP7

GeneDx
Classification: Likely benign. Last evaluated: 2021-06-10. Review status: criteria provided, single submitter. Criteria: GeneDx Variant Classification Process June 2021. Collection method: clinical testing. Allele origin: germline. Affected: yes.

Ambry Genetics
Classification: Likely benign for Inborn genetic diseases. Last evaluated: 2017-05-19. Review status: criteria provided, single submitter. Criteria: Ambry Variant Classification Scheme 2023. Collection method: clinical testing. Allele origin: germline.

NM_001127644.2(GABRA1):c.231C>T (p.Phe77=)

Gene: GABRA1 (gamma-aminobutyric acid type A receptor subunit alpha1; plus strand). Cytogenetic location: 5q34.
Variant type: single nucleotide variant.
Coding change: c.231C>T on transcript NM_001127644.2 (MANE Select); coding-DNA position 231, C replaced by T.
Protein change: p.Phe77=; no amino-acid change (phenylalanine 77 retained).
Molecular consequence: synonymous variant.
Genome position (GRCh38, 1-based): chr5:161,865,764, C>T. VCF-style: chr5-161865764-C-T. GRCh37 (hg19) VCF-style: chr5-161292770-C-T.
Other names: c.231C>T, p.Phe77= (NM_000806.5, NM_001127643.2, NM_001127645.2 and 1 more transcripts).
Identifiers: ClinVar variation 590144 (VCV000590144.43), dbSNP rs566224462, ClinGen allele CA3544373.